The following is an entry in ClinVar:

ClinVar aggregate classification (germline): Uncertain significance. Review status: criteria provided, multiple submitters, no conflicts (2 of 4 stars). 2 submissions from 2 submitters: Uncertain significance (2). Last evaluated 2025-01-28.

Conditions:
Inborn genetic diseases. Identifiers: MedGen C0950123, MeSH D030342.
Saldino-Mainzer syndrome (SRTD9). Also called: Renal dysplasia, retinal pigmentary dystrophy, cerebellar ataxia and skeletal dysplasia; CONORENAL SYNDROME; SHORT-RIB THORACIC DYSPLASIA 9 WITHOUT POLYDACTYLY; short-rib thoracic dysplasia 9 with or without polydactyly. Identifiers: Orphanet 140969, MedGen C1849437, MONDO:0009964, OMIM 266920.

Allele frequency attached by ClinVar (database versions not stated): gnomAD exomes below 0.00001.
gnomAD v4.1: 1 of 1,613,044 alleles (0.000062%); highest among the groups gnomAD compares: Non-Finnish European, 0.000085%; no homozygotes.

Submissions (2):

Ambry Genetics
Classification: Uncertain significance for Inborn genetic diseases. Last evaluated: 2025-01-28. Review status: criteria provided, single submitter. Criteria: Ambry Variant Classification Scheme 2023. Collection method: clinical testing. Allele origin: germline.

Labcorp Genetics (formerly Invitae), Labcorp
Classification: Uncertain significance for Saldino-Mainzer syndrome. Last evaluated: 2021-04-15. Review status: criteria provided, single submitter. Criteria: Invitae Variant Classification Sherloc (09022015). Collection method: clinical testing. Allele origin: germline.
Comment: In summary, the available evidence is currently insufficient to determine the role of this variant in disease. Therefore, it has been classified as a Variant of Uncertain Significance. Algorithms developed to predict the effect of missense changes on protein structure and function are either unavailable or do not agree on the potential impact of this missense change (SIFT: "Deleterious"; PolyPhen-2: "Benign"; Align-GVGD: "Class C0"). This variant has not been reported in the literature in individuals with IFT140-related conditions. This variant is not present in population databases (ExAC no frequency). This sequence change replaces glutamic acid with lysine at codon 940 of the IFT140 protein (p.Glu940Lys). The glutamic acid residue is moderately conserved and there is a small physicochemical difference between glutamic acid and lysine.

NM_014714.4(IFT140):c.2818G>A (p.Glu940Lys)

Genes: IFT140 (intraflagellar transport 140; minus strand), LOC126862260 (CDK7 strongly-dependent group 2 enhancer GRCh37_chr16:1574508-1575707; plus strand). Cytogenetic location: 16p13.3.
Variant type: single nucleotide variant.
Coding change: c.2818G>A on transcript NM_014714.4 (MANE Select); coding-DNA position 2818, G replaced by A.
Protein change: p.Glu940Lys; replaces glutamic acid 940 with lysine.
Molecular consequence: missense variant.
Genome position (GRCh38, 1-based): chr16:1,525,277, C>T on the plus strand (G>A on the coding strand, the complement: IFT140 is on the minus strand). VCF-style: chr16-1525277-C-T. GRCh37 (hg19) VCF-style: chr16-1575278-C-T.
Other names: c.2818G>A (NM_014714.3); short protein forms E940K.
Identifiers: ClinVar variation 1427142 (VCV001427142.10), dbSNP rs2141175146, ClinGen allele CA394226786.